The following is an entry in ClinVar:

NM_020738.4(KIDINS220):c.3012-6080C>T

Gene: KIDINS220 (kinase D interacting substrate 220; minus strand). Cytogenetic location: 2p25.1.
Variant type: single nucleotide variant.
Coding change: c.3012-6080C>T on transcript NM_020738.4 (MANE Select); 6080 bases into the intron before coding-DNA position 3012, C replaced by T.
Molecular consequence: intron variant. On other transcripts: synonymous variant (1).
Genome position (GRCh38, 1-based): chr2:8,757,724, G>A on the plus strand (C>T on the coding strand, the complement: KIDINS220 is on the minus strand). VCF-style: chr2-8757724-G-A. GRCh37 (hg19) VCF-style: chr2-8897854-G-A.
Other names: c.3078C>T, p.Ala1026= (NM_001348745.2); c.3012-6080C>T (NM_001348741.2, NM_001348738.2, NM_001348742.2 and 3 more transcripts); c.3015-6080C>T (NM_001348739.2, NM_001348740.2, NM_001348734.2 and 2 more transcripts); c.2886-6080C>T (NM_001348736.2).
Identifiers: ClinVar variation 3038900 (VCV003038900.2), dbSNP rs771801626, ClinGen allele CA1519809.

ClinVar aggregate classification (germline): Likely benign (0 of 4 stars; one submission).

Conditions:
KIDINS220-related disorder. Also called: KIDINS220-related condition.

Allele frequency attached by ClinVar (database versions not stated): gnomAD exomes 0.00003; ExAC 0.00011; gnomAD 0.00023; TOPMed 0.00028.
gnomAD v4.1: 77 of 1,612,218 alleles (0.0048%); highest among the groups gnomAD compares: African/African-American, 0.08%; no homozygotes.

Submission:

PreventionGenetics, part of Exact Sciences
Classification: Likely benign for KIDINS220-related condition. Last evaluated: 2021-07-14. Review status: no assertion criteria provided. Collection method: clinical testing. Allele origin: germline.
Comment: This variant is classified as likely benign based on ACMG/AMP sequence variant interpretation guidelines (Richards et al. 2015 PMID: 25741868, with internal and published modifications).